The following is an entry in ClinVar:

ClinVar aggregate classification (germline): other (0 of 4 stars; one submission).

Conditions:
Familial colorectal cancer. Identifiers: MedGen CN280943, MONDO:0023113. Disease mechanism: loss of function.

Submission:

Systems Biology Platform Zhejiang California International NanoSystems Institute
Classification: other for Familial colorectal cancer. Review status: no assertion criteria provided. Collection method: not provided. Allele origin: unknown.
ClinVar note: Converted during submission from cancer to other.

NM_000038.6(APC):c.-19+6007G>T

Gene: APC (APC regulator of WNT signaling pathway; plus strand). Cytogenetic location: 5q22.2.
Variant type: single nucleotide variant.
Coding change: c.-19+6007G>T on transcript NM_000038.6 (MANE Select); 6007 bases into the intron after 19 bases upstream of the start codon, G replaced by T.
Molecular consequence: intron variant.
Genome position (GRCh38, 1-based): chr5:112,743,932, G>T. VCF-style: chr5-112743932-G-T. GRCh37 (hg19) VCF-style: chr5-112079629-G-T.
Other names: c.-18-10941G>T (NM_001354895.2); c.166-22394G>T (NM_001354897.2, NM_001354902.2, NM_001127511.3); c.-19+5472G>T (NM_001127510.3); c.60+5472G>T (NM_001354898.2, NM_001354904.2); c.-1054+6007G>T (NM_001354906.2); c.-19+6007G>T (NM_001354896.2, NM_001354903.2, NM_001354899.2); c.-43+6007G>T (NM_001354900.2, NM_001354901.2, NM_001354905.2).
Identifiers: ClinVar variation 82764 (VCV000082764.2), dbSNP rs77813423, ClinGen allele CA006890.
Genomic context (GRCh38, chr5:112,743,932, plus strand): 5'-TTTGGTGTTTTTTTGTTTGTTGGTTTTTTTCCCTCTGTTGCGCAGGCTAGAGTAGCTTCT[G>T]GGCTCAAGCAGTCCTCCCAACTGAGCCTCCCAAGTAGCTAGGATTACAAACATGTGCCAC-3'